The following is an entry in ClinVar:

ClinVar aggregate classification (germline): Uncertain significance (1 of 4 stars; one submission).

Conditions:
Diffuse cerebral and cerebellar atrophy - intractable seizures - progressive microcephaly syndrome. Also called: Microcephaly, progressive, with seizures and cerebral and cerebellar atrophy. Identifiers: Orphanet 404437, MedGen C4014239, MONDO:0014335, OMIM 615760.

Allele frequency attached by ClinVar (database versions not stated): gnomAD exomes below 0.00001.
gnomAD v4.1: 1 of 1,614,164 alleles (0.000062%); highest among the groups gnomAD compares: Non-Finnish European, 0.000085%; no homozygotes.

Submission:

Labcorp Genetics (formerly Invitae), Labcorp
Classification: Uncertain significance for Diffuse cerebral and cerebellar atrophy - intractable seizures - progressive microcephaly syndrome. Last evaluated: 2020-09-29. Review status: criteria provided, single submitter. Criteria: Invitae Variant Classification Sherloc (09022015). Collection method: clinical testing. Allele origin: germline.
Comment: In summary, the available evidence is currently insufficient to determine the role of this variant in disease. Therefore, it has been classified as a Variant of Uncertain Significance. Algorithms developed to predict the effect of missense changes on protein structure and function (SIFT, PolyPhen-2, Align-GVGD) all suggest that this variant is likely to be disruptive, but these predictions have not been confirmed by published functional studies and their clinical significance is uncertain. This variant has not been reported in the literature in individuals with QARS-related conditions. ClinVar contains an entry for this variant (Variation ID: 566927). This variant is not present in population databases (ExAC no frequency). This sequence change replaces proline with serine at codon 528 of the QARS protein (p.Pro528Ser). The proline residue is highly conserved and there is a moderate physicochemical difference between proline and serine.

NM_005051.3(QARS1):c.1582C>T (p.Pro528Ser)

Gene: QARS1 (glutaminyl-tRNA synthetase 1; minus strand). Cytogenetic location: 3p21.31.
Variant type: single nucleotide variant.
Coding change: c.1582C>T on transcript NM_005051.3 (MANE Select); coding-DNA position 1582, C replaced by T.
Protein change: p.Pro528Ser; replaces proline 528 with serine.
Molecular consequence: missense variant. On other transcripts: non-coding transcript variant (1).
Genome position (GRCh38, 1-based): chr3:49,099,376, G>A on the plus strand (C>T on the coding strand, the complement: QARS1 is on the minus strand). VCF-style: chr3-49099376-G-A. GRCh37 (hg19) VCF-style: chr3-49136809-G-A.
Other names: c.1549C>T, p.Pro517Ser (NM_001272073.2); short protein forms P528S, P517S.
Identifiers: ClinVar variation 566927 (VCV000566927.7), dbSNP rs1559967000, ClinGen allele CA352704878.